The following is an entry in ClinVar:

NM_001110556.2(FLNA):c.2357C>G (p.Ala786Gly)

Gene: FLNA (filamin A; minus strand). Cytogenetic location: Xq28.
Variant type: single nucleotide variant.
Coding change: c.2357C>G on transcript NM_001110556.2 (MANE Select); coding-DNA position 2357, C replaced by G.
Protein change: p.Ala786Gly; replaces alanine 786 with glycine.
Molecular consequence: missense variant.
Genome position (GRCh38, 1-based): chrX:154,362,708, G>C on the plus strand (C>G on the coding strand, the complement: FLNA is on the minus strand). VCF-style: chrX-154362708-G-C. GRCh37 (hg19) VCF-style: chrX-153591076-G-C.
Other names: c.2357C>G (NM_001456.3); c.2357C>G, p.Ala786Gly (NM_001456.4); short protein forms A786G.
Identifiers: ClinVar variation 1014193 (VCV001014193.11), dbSNP rs2067722548, ClinGen allele CA415237367.

ClinVar aggregate classification (germline): Uncertain significance. Review status: criteria provided, multiple submitters, no conflicts (2 of 4 stars). 3 submissions from 3 submitters: Uncertain significance (3). Last evaluated 2026-01-17.

Conditions:
Familial thoracic aortic aneurysm and aortic dissection (TAAD). Also called: Thoracic aortic aneurysms and dissections. Identifiers: Orphanet 91387, MedGen C4707243, MONDO:0019625.
Frontometaphyseal dysplasia (FMD1). Identifiers: Orphanet 1826, MedGen C0265293, MONDO:0015942.
Melnick-Needles syndrome (MNS). Also called: MELNICK-NEEDLES OSTEODYSPLASTY; OSTEODYSPLASTY OF MELNICK AND NEEDLES; Melnick-Needles Syndrome (FLNA-MNS). Identifiers: Orphanet 2484, MedGen C0025237, MONDO:0010650, OMIM 309350.
Oto-palato-digital syndrome, type II (OPD2). Also called: FACIOPALATOOSSEOUS SYNDROME; Otopalatodigital Syndrome, Type II; OPD II SYNDROME; Otopalatodigital Syndrome Type 2 (FLNA-OPD2). Identifiers: Orphanet 669, Orphanet 90652, MedGen C1844696, MONDO:0010571, OMIM 304120.
Heterotopia, periventricular, X-linked dominant (PVNH1). Also called: PERIVENTRICULAR NODULAR HETEROTOPIA 1; X-linked periventricular heterotopia; PERIVENTRICULAR NODULAR HETEROTOPIA 4; HETEROTOPIA, PERIVENTRICULAR, 1. Identifiers: Orphanet 2149, Orphanet 82004, MedGen C1848213, MONDO:0010233, OMIM 300049.

Allele frequency attached by ClinVar (database versions not stated): gnomAD exomes 0.00001.
gnomAD v4.1: 11 of 1,210,335 alleles (0.00091%); highest among the groups gnomAD compares: Non-Finnish European, 0.0011%; no homozygotes.

Submissions (3):

Ambry Genetics
Classification: Uncertain significance for Familial thoracic aortic aneurysm and aortic dissection. Last evaluated: 2026-01-17. Review status: criteria provided, single submitter. Criteria: Ambry Variant Classification Scheme 2023. Collection method: clinical testing. Allele origin: germline.
Comment: The p.A786G variant (also known as c.2357C>G), located in coding exon 15 of the FLNA gene, results from a C to G substitution at nucleotide position 2357. The alanine at codon 786 is replaced by glycine, an amino acid with similar properties. This amino acid position is conserved. In addition, this alteration is predicted to be deleterious by in silico analysis. Based on the available evidence, the clinical significance of this variant remains unclear.

Labcorp Genetics (formerly Invitae), Labcorp
Classification: Uncertain significance for Oto-palato-digital syndrome, type II; Heterotopia, periventricular, X-linked dominant; Frontometaphyseal dysplasia; Melnick-Needles syndrome. Last evaluated: 2026-01-11. Review status: criteria provided, single submitter. Criteria: Invitae Variant Classification Sherloc (09022015). Collection method: clinical testing. Allele origin: germline.
Comment: This sequence change replaces alanine, which is neutral and non-polar, with glycine, which is neutral and non-polar, at codon 786 of the FLNA protein (p.Ala786Gly). This variant is not present in population databases (gnomAD no frequency). This variant has not been reported in the literature in individuals affected with FLNA-related conditions. ClinVar contains an entry for this variant (Variation ID: 1014193). Invitae Evidence Modeling of protein sequence and biophysical properties (such as structural, functional, and spatial information, amino acid conservation, physicochemical variation, residue mobility, and thermodynamic stability) indicates that this missense variant is not expected to disrupt FLNA protein function with a negative predictive value of 95%. In summary, the available evidence is currently insufficient to determine the role of this variant in disease. Therefore, it has been classified as a Variant of Uncertain Significance.

GeneDx
Classification: Uncertain significance. Last evaluated: 2023-12-05. Review status: criteria provided, single submitter. Criteria: GeneDx Variant Classification Process June 2021. Collection method: clinical testing. Allele origin: germline. Affected: yes.
Comment: Has not been previously published as pathogenic or benign to our knowledge; In silico analysis supports that this missense variant has a deleterious effect on protein structure/function